The following is an entry in ClinVar:

ClinVar aggregate classification (germline): Uncertain significance (1 of 4 stars; one submission).

Submission:

GeneDx
Classification: Uncertain significance. Last evaluated: 2020-02-13. Review status: criteria provided, single submitter. Criteria: GeneDx Variant Classification Process June 2021. Collection method: clinical testing. Allele origin: germline. Affected: yes.
Comment: In-frame deletion of 3 amino acids in a non-repeat region; In silico analysis supports a deleterious effect on protein structure/function; Has not been previously published as pathogenic or benign to our knowledge

NM_005138.3(SCO2):c.437_445del (p.Gln146_Val148del)

Genes: NCAPH2 (non-SMC condensin II complex subunit H2; plus strand), SCO2 (synthesis of cytochrome C oxidase 2; minus strand). Cytogenetic location: 22q13.33.
Variant type: Deletion.
Coding change: c.437_445del on transcript NM_005138.3 (MANE Select); coding-DNA positions 437 to 445, 9 bases deleted (AGGTGGTGC; older notation c.437_445delAGGTGGTGC).
Protein change: p.Gln146_Val148del.
Molecular consequence: inframe deletion. On other transcripts: 3 prime UTR variant (2).
Genome position (GRCh38, 1-based): chr22:50,523,967-50,523,975, GCACCACCT deleted on the plus strand (AGGTGGTGC on the coding strand, the reverse complement: SCO2 is on the minus strand); deleting any 9 consecutive bases within chr22:50,523,967-50,523,981 gives the same sequence; the c. name uses the placement nearest the transcript's 3' end. VCF-style (leftmost placement, unchanged base first): chr22-50523966-CGCACCACCT-C. GRCh37 (hg19) VCF-style: chr22-50962395-CGCACCACCT-C.
Other names: c.*598_*606del (NM_001185011.2, NM_152299.4); c.437_445del, p.Gln146_Val148del (NM_001169109.2, NM_001169110.1, NM_001169111.2).
Identifiers: ClinVar variation 1315170 (VCV001315170.2), dbSNP rs1569521526, ClinGen allele CA640357305.